The following is an entry in ClinVar:

ClinVar aggregate classification (germline): Pathogenic/Likely pathogenic. Review status: criteria provided, multiple submitters, no conflicts (2 of 4 stars). 2 submissions from 2 submitters: Pathogenic (1); Likely pathogenic (1). Last evaluated 2026-04-10.

Allele frequency attached by ClinVar (database versions not stated): TOPMed 0.00001; gnomAD exomes below 0.00001; ExAC 0.00001.
gnomAD v4.1: 3 of 1,614,000 alleles (0.00019%); highest among the groups gnomAD compares: Non-Finnish European, 0.00025%; no homozygotes.

Submissions (2):

Dasa
Classification: Likely pathogenic. Last evaluated: 2026-04-10. Review status: criteria provided, single submitter. Criteria: DASA Assertion Criteria. Collection method: clinical testing. Allele origin: germline.
Comment: NM_007186.6(CEP250):c.3133C>T (p.Arg1045*) is a nonsense variant in CEP250 predicted to introduce a premature termination codon and is predicted to result in an absent or altered protein product. Loss of function is an established disease mechanism for CEP250-associated disorders. Also, this variant is rare in population databases. Based on the currently available evidence, this variant is classified as likely pathogenic.

Labcorp Genetics (formerly Invitae), Labcorp
Classification: Pathogenic. Last evaluated: 2022-10-05. Review status: criteria provided, single submitter. Criteria: Invitae Variant Classification Sherloc (09022015). Collection method: clinical testing. Allele origin: germline.
Comment: This sequence change creates a premature translational stop signal (p.Arg1045*) in the CEP250 gene. It is expected to result in an absent or disrupted protein product. Loss-of-function variants in CEP250 are known to be pathogenic (PMID: 24780881, 29718797). This variant is present in population databases (rs775811770, gnomAD 0.0009%). This variant has not been reported in the literature in individuals affected with CEP250-related conditions. For these reasons, this variant has been classified as Pathogenic.

Literature cited by the submitters: PubMed 24780881 (cited by Labcorp Genetics (formerly Invitae), Labcorp); PubMed 29718797 (cited by Labcorp Genetics (formerly Invitae), Labcorp).

NM_007186.6(CEP250):c.3133C>T (p.Arg1045Ter)

Gene: CEP250 (centrosomal protein 250; plus strand). Cytogenetic location: 20q11.22.
Variant type: single nucleotide variant.
Coding change: c.3133C>T on transcript NM_007186.6 (MANE Select); coding-DNA position 3133, C replaced by T.
Protein change: p.Arg1045Ter; replaces arginine 1045 with a stop codon.
Molecular consequence: nonsense.
Genome position (GRCh38, 1-based): chr20:35,494,623, C>T. VCF-style: chr20-35494623-C-T. GRCh37 (hg19) VCF-style: chr20-34082450-C-T.
Other names: c.1237C>T, p.Arg413Ter (NM_001318219.1); short protein forms R1045*, R413*.
Identifiers: ClinVar variation 2060939 (VCV002060939.6), dbSNP rs775811770, ClinGen allele CA9833387.